The following is an entry in ClinVar:

ClinVar aggregate classification (germline): Uncertain significance (1 of 4 stars; one submission).

Submission:

GeneDx
Classification: Uncertain significance. Last evaluated: 2023-12-08. Review status: criteria provided, single submitter. Criteria: GeneDx Variant Classification Process June 2021. Collection method: clinical testing. Allele origin: germline. Affected: yes.
Comment: Not observed at significant frequency in large population cohorts (gnomAD); In silico analysis supports that this missense variant does not alter protein structure/function; Has not been previously published as pathogenic or benign to our knowledge

NM_025207.5(FLAD1):c.844A>G (p.Lys282Glu)

Gene: FLAD1 (flavin adenine dinucleotide synthetase 1; plus strand). Cytogenetic location: 1q21.3.
Variant type: single nucleotide variant.
Coding change: c.844A>G on transcript NM_025207.5 (MANE Select); coding-DNA position 844, A replaced by G.
Protein change: p.Lys282Glu; replaces lysine 282 with glutamic acid.
Molecular consequence: missense variant.
Genome position (GRCh38, 1-based): chr1:154,988,576, A>G. VCF-style: chr1-154988576-A-G. GRCh37 (hg19) VCF-style: chr1-154961052-A-G.
Other names: c.553A>G, p.Lys185Glu (NM_001184891.2, NM_201398.3); c.547A>G, p.Lys183Glu (NM_001184892.2); short protein forms K183E, K185E, K282E.
Identifiers: ClinVar variation 3365373 (VCV003365373.1).